The following is an entry in ClinVar:

ClinVar aggregate classification (germline): Conflicting classifications of pathogenicity. Review status: criteria provided, conflicting classifications (1 of 4 stars). 16 submissions from 15 submitters: Uncertain significance (5); Likely benign (7). 4 of the submissions do not count toward it. Last evaluated 2026-01-13.

Conditions:
BRCA2-related cancer predisposition. Identifiers: MedGen CN377758, MONDO:0700269.
Invasive lobular breast carcinoma. Identifiers: MedGen C0279565, MONDO:0005051.
Pancreatic cancer, susceptibility to, 2. Identifiers: Orphanet 1333, MedGen C3150546, MONDO:0013235, OMIM 613347.
Glioma susceptibility 3 (GLM3). Also called: Glioblastoma 3. Identifiers: Orphanet 182067, Orphanet 360, MedGen C2751641, MONDO:0013093, OMIM 613029.
Familial prostate cancer. Also called: Hereditary Prostate Cancer. Identifiers: MedGen C2931456, MONDO:0700275, OMIM 176807.
Breast-ovarian cancer, familial, susceptibility to, 2 (BROVCA2). Also called: BRCA2 Hereditary Breast and Ovarian Cancer. Identifiers: Orphanet 145, MedGen C2675520, MONDO:0012933, OMIM 612555. Disease mechanism: loss of function.
Fanconi anemia complementation group D1. Also called: BRCA2-Related Fanconi Anemia. Identifiers: Orphanet 319462, MedGen C1838457, MONDO:0011584, OMIM 605724.
Medulloblastoma (MDB). Also called: Medulloblastoma, somatic; MEDULLOBLASTOMA PREDISPOSITION SYNDROME. Identifiers: Orphanet 616, MedGen C0025149, MeSH D008527, MONDO:0007959, OMIM 155255, HP:0002885.
Wilms tumor 1 (WT1). Also called: Wilms tumor, somatic. Identifiers: Orphanet 654, MedGen CN033288, MONDO:0008679, OMIM 194070.
Familial cancer of breast. Also called: BREAST CANCER, FAMILIAL; hereditary breast carcinoma; Hereditary breast cancer. Identifiers: Orphanet 227535, MedGen C0346153, MONDO:0016419, OMIM 114480. Disease mechanism: loss of function.
Breast neoplasm. Also called: Breast Neoplasms; Neoplasm of breast; Breast tumor; Neoplasm of the breast. Identifiers: MedGen C1458155, MeSH D001943, MONDO:0021100, HP:0100013. Disease mechanism: gain of function.
Hereditary cancer-predisposing syndrome. Also called: Neoplastic Syndromes, Hereditary; Tumor predisposition; Hereditary Cancer Syndrome; Hereditary neoplastic syndrome. Identifiers: Orphanet 140162, MedGen C0027672, MeSH D009386, MONDO:0015356.
Ovarian cancer. Also called: OVARIAN CANCER, SOMATIC. Identifiers: Orphanet 213500, MedGen C1140680, MONDO:0008170, OMIM 167000.
Hereditary breast ovarian cancer syndrome. Also called: Breast and ovarian cancer; Hereditary breast and ovarian cancer; Hereditary breast and ovarian cancer syndrome (HBOC); Hereditary breast and ovarian cancer syndrome; BRCA1- and BRCA2-Associated Hereditary Breast and Ovarian Cancer; Hereditary breast and/or ovarian cancer syndrome. Identifiers: Orphanet 145, MedGen C0677776, MeSH D061325, MONDO:0003582. Disease mechanism: loss of function.

Allele frequency attached by ClinVar (database versions not stated): gnomAD 0.00001 and 0.00002; gnomAD exomes 0.00001 and 0.00004; TOPMed 0.00002; ExAC 0.00003; 1000 Genomes Project 30x 0.00016; 1000 Genomes Project 0.00020.
gnomAD v4.1: 12 of 1,600,436 alleles (0.00075%); highest among the groups gnomAD compares: East Asian, 0.027%; no homozygotes.

Submissions (16):

Labcorp Genetics (formerly Invitae), Labcorp
Classification: Likely benign for Hereditary breast ovarian cancer syndrome. Last evaluated: 2026-01-13. Review status: criteria provided, single submitter. Criteria: Invitae Variant Classification Sherloc (09022015). Collection method: clinical testing. Allele origin: germline.

Women's Health and Genetics/Laboratory Corporation of America, LabCorp
Classification: Likely benign. Last evaluated: 2025-03-10. Review status: criteria provided, single submitter. Criteria: LabCorp Variant Classification Summary - May 2015. Collection method: clinical testing. Allele origin: germline.
Comment: Variant summary: BRCA2 c.4376A>G (p.Asn1459Ser) results in a conservative amino acid change located in the BRCA2 repeat region (IPR002093), located between repeat 3 and 4 of the encoded protein sequence. Five of five in-silico tools predict a benign effect of the variant on protein function. The variant allele was found at a frequency of 4.1e-05 in 245108 control chromosomes, predominantly at a frequency of 0.00055 within the East Asian subpopulation in the gnomAD database. This frequency is somewhat lower than the estimated maximum expected for a pathogenic variant in BRCA2 causing Hereditary Breast and Ovarian Cancer Syndrome (0.00075), allowing no clear conclusions about variant significance. The variant, c.4376A>G, has been reported in the literature in individuals of East Asian origin affected with breast- or ovarian cancer (Lai_2017, Bhaskaran_2019), but was also found in several unaffected East Asian controls (Lai_2017, Momozawa_2018, Dong_2021). In a recent large study evaluating breast cancer cases and controls in the Breast Cancer Association Consortium (BCAC), the variant was reported in 7/60466 cases, but was also found in 9/53461 controls (Dorling_2021, reported through LOVD). To our knowledge, no experimental evidence demonstrating an impact on protein function has been reported. However, a large scale study utilizing multifactorial probability model for quantitative analysis of BRCA1 and BRCA2 variants predicted this variant to be likely benign (Parsons_2019). The following publications have been ascertained in the context of this evaluation (PMID: 31131967, 28222693, 30287823, 30702160, 32467295, 33471991). ClinVar contains an entry for this variant (Variation ID: 37898). Based on the evidence outlined above, the variant was classified as likely benign.

All of Us Research Program, National Institutes of Health
Classification: Likely benign for BRCA2-related cancer predisposition. Last evaluated: 2024-03-05. Review status: criteria provided, single submitter. Criteria: ACMG Guidelines, 2015. Collection method: clinical testing. Allele origin: germline. Inheritance: Autosomal dominant inheritance. Observed: 3 variant alleles, 3 heterozygotes.
Comment: This study involves interpretation of variants in research participants for the purpose of population health screening. Participant phenotype was not available at the time of variant classification. Additional details can be found in publication PMID: 35346344, PMCID: PMC8962531

University of Washington Department of Laboratory Medicine, University of Washington
Classification: Likely benign for Hereditary cancer-predisposing syndrome. Last evaluated: 2023-03-23. Review status: criteria provided, single submitter. Criteria: Dines et al. (Genet Med. 2020). Collection method: curation. Allele origin: germline.
Comment: Missense variant in a coldspot region where missense variants are very unlikely to be pathogenic (PMID:31911673).

BRCA2 exon 11 coldspot. Reclassification based on statistical prior probability.

GeneDx
Classification: Uncertain significance. Last evaluated: 2023-02-06. Review status: criteria provided, single submitter. Criteria: GeneDx Variant Classification Process June 2021. Collection method: clinical testing. Allele origin: germline. Affected: yes.
Comment: Observed in individuals with breast or ovarian cancer (Suter 2004, Chao 2016, Zhong 2016, Lai 2017, Li 2017, Chen 2020); In silico analysis supports that this missense variant has a deleterious effect on protein structure/function; Also known as 4604A>G; This variant is associated with the following publications: (PMID: 14973102, 28664449, 31131967, 27257965, 28222693, 27907908, 27157322, 31867841, 30702160, 31825140, 32467295, 29884841, 32377563)

Department of Pathology and Laboratory Medicine, Sinai Health System
Classification: Uncertain significance for Familial cancer of breast; Breast-ovarian cancer, familial, susceptibility to, 2. Last evaluated: 2022-07-29. Review status: criteria provided, single submitter. Criteria: ACMG Guidelines, 2015. Collection method: clinical testing. Allele origin: germline. Affected: yes.

Color Diagnostics, LLC DBA Color Health
Classification: Likely benign for Hereditary cancer-predisposing syndrome. Last evaluated: 2021-09-03. Review status: criteria provided, single submitter. Criteria: ACMG Guidelines, 2015. Collection method: clinical testing. Allele origin: germline.

Ambry Genetics
Classification: Likely benign for Hereditary cancer-predisposing syndrome. Last evaluated: 2019-07-01. Review status: criteria provided, single submitter. Criteria: Ambry Variant Classification Scheme 2023. Collection method: clinical testing. Allele origin: germline.

3DMed Clinical Laboratory Inc
Classification: Uncertain significance for Invasive Lobular Breast Carcinoma. Last evaluated: 2017-02-27. Review status: criteria provided, single submitter. Criteria: ACMG Guidelines, 2015. Collection method: clinical testing. Allele origin: germline. Affected: yes.

3DMed Clinical Laboratory Inc
Classification: Uncertain significance for Ovarian cancer. Last evaluated: 2017-02-27. Review status: criteria provided, single submitter. Criteria: ACMG Guidelines, 2015. Collection method: clinical testing. Allele origin: germline. Affected: yes.

Laboratory of Molecular Diagnosis of Cancer, West China Hospital, Sichuan University
Classification: Uncertain significance for Breast neoplasm. Last evaluated: 2015-11-01. Review status: criteria provided, single submitter. Criteria: ACMG Guidelines, 2015. Collection method: research. Allele origin: germline. Affected: yes. Observed: 1 variant allele.

Juno Genomics, Hangzhou Juno Genomics, Inc
Classification: Likely benign for Wilms tumor 1; Familial cancer of breast; Breast-ovarian cancer, familial, susceptibility to, 2; Glioma susceptibility 3; Medulloblastoma; Pancreatic cancer, susceptibility to, 2; Familial prostate cancer; Fanconi anemia complementation group D1. Review status: criteria provided, single submitter. Criteria: ACMG Guidelines, 2015. Collection method: clinical testing. Allele origin: germline.
Comment: Allele frequency is greater than expected for disorder.;Multiple lines of computational evidence suggest no impact on gene or gene product.

Counsyl
Classification: Uncertain significance for Breast-ovarian cancer, familial, susceptibility to, 2. Last evaluated: 2015-12-10. Review status: no assertion criteria provided. Collection method: clinical testing. Allele origin: unknown. Not counted in ClinVar's aggregate classification.

Breast Cancer Information Core (BIC) (BRCA2)
Classification: Uncertain significance for Breast-ovarian cancer, familial 2. Last evaluated: 2010-09-18. Review status: no assertion criteria provided. Collection method: clinical testing. Allele origin: germline. Affected: yes. Observed: 1 variant allele. Not counted in ClinVar's aggregate classification.

Sharing Clinical Reports Project (SCRP)
Classification: Uncertain significance for Breast-ovarian cancer, familial 2. Last evaluated: 2009-12-02. Review status: no assertion criteria provided. Collection method: clinical testing. Allele origin: germline. Not counted in ClinVar's aggregate classification.

Center for Precision Medicine, Meizhou People's Hospital
Classification: Uncertain significance for Familial cancer of breast. Review status: no assertion criteria provided. Collection method: literature only. Allele origin: germline. Affected: yes. Not counted in ClinVar's aggregate classification.

Literature cited by the submitters: PubMed 30287823 (cited by Women's Health and Genetics/Laboratory Corporation of America, LabCorp); PubMed 30702160 (cited by Women's Health and Genetics/Laboratory Corporation of America, LabCorp); PubMed 28222693 (cited by Women's Health and Genetics/Laboratory Corporation of America, LabCorp and Ambry Genetics); PubMed 31131967 (cited by Women's Health and Genetics/Laboratory Corporation of America, LabCorp); PubMed 33471991 (cited by Women's Health and Genetics/Laboratory Corporation of America, LabCorp); PubMed 32467295 (cited by Women's Health and Genetics/Laboratory Corporation of America, LabCorp); PubMed 14973102 (cited by Ambry Genetics and Counsyl); PubMed 28664449 (cited by Ambry Genetics); PubMed 27257965 (cited by Laboratory of Molecular Diagnosis of Cancer, West China Hospital, Sichuan University).

NM_000059.4(BRCA2):c.4376A>G (p.Asn1459Ser)

Gene: BRCA2 (BRCA2 DNA repair associated; plus strand). Cytogenetic location: 13q13.1.
Variant type: single nucleotide variant.
Coding change: c.4376A>G on transcript NM_000059.4 (MANE Select); coding-DNA position 4376, A replaced by G.
Protein change: p.Asn1459Ser; replaces asparagine 1459 with serine.
Molecular consequence: missense variant.
Genome position (GRCh38, 1-based): chr13:32,338,731, A>G. VCF-style: chr13-32338731-A-G. GRCh37 (hg19) VCF-style: chr13-32912868-A-G.
Other names: 4604A>G; short protein forms N1459S.
Identifiers: ClinVar variation 37898 (VCV000037898.36), dbSNP rs117187202, ClinGen allele CA020060.